The following is an entry in ClinVar:

NM_002291.3(LAMB1):c.4301T>C (p.Val1434Ala)

Gene: LAMB1 (laminin subunit beta 1; minus strand). Cytogenetic location: 7q31.1.
Variant type: single nucleotide variant.
Coding change: c.4301T>C on transcript NM_002291.3 (MANE Select); coding-DNA position 4301, T replaced by C.
Protein change: p.Val1434Ala; replaces valine 1434 with alanine.
Molecular consequence: missense variant.
Genome position (GRCh38, 1-based): chr7:107,932,265, A>G on the plus strand (T>C on the coding strand, the complement: LAMB1 is on the minus strand). VCF-style: chr7-107932265-A-G. GRCh37 (hg19) VCF-style: chr7-107572710-A-G.
Other names: short protein forms V1434A.
Identifiers: ClinVar variation 1937841 (VCV001937841.5), dbSNP rs777104738, ClinGen allele CA4435075.

ClinVar aggregate classification (germline): Uncertain significance (1 of 4 stars; one submission).

Allele frequency attached by ClinVar (database versions not stated): gnomAD exomes below 0.00001; TOPMed below 0.00001; ExAC 0.00001.
gnomAD v4.1: 2 of 1,614,186 alleles (0.00012%); highest among the groups gnomAD compares: Admixed American, 0.0033%; no homozygotes.

Submission:

Labcorp Genetics (formerly Invitae), Labcorp
Classification: Uncertain significance. Last evaluated: 2022-11-01. Review status: criteria provided, single submitter. Criteria: Invitae Variant Classification Sherloc (09022015). Collection method: clinical testing. Allele origin: germline.
Comment: This sequence change replaces valine, which is neutral and non-polar, with alanine, which is neutral and non-polar, at codon 1434 of the LAMB1 protein (p.Val1434Ala). This variant is present in population databases (rs777104738, gnomAD 0.006%). This variant has not been reported in the literature in individuals affected with LAMB1-related conditions. Algorithms developed to predict the effect of missense changes on protein structure and function (SIFT, PolyPhen-2, Align-GVGD) all suggest that this variant is likely to be disruptive. In summary, the available evidence is currently insufficient to determine the role of this variant in disease. Therefore, it has been classified as a Variant of Uncertain Significance.